The following is an entry in ClinVar:

NM_000078.3(CETP):c.182C>T (p.Thr61Met)

Gene: CETP (cholesteryl ester transfer protein; plus strand). Cytogenetic location: 16q13.
Variant type: single nucleotide variant.
Coding change: c.182C>T on transcript NM_000078.3 (MANE Select); coding-DNA position 182, C replaced by T.
Protein change: p.Thr61Met; replaces threonine 61 with methionine.
Molecular consequence: missense variant.
Genome position (GRCh38, 1-based): chr16:56,963,073, C>T. VCF-style: chr16-56963073-C-T. GRCh37 (hg19) VCF-style: chr16-56996985-C-T.
Other names: c.182C>T, p.Thr61Met (NM_001286085.2); short protein forms T61M.
Identifiers: ClinVar variation 1371370 (VCV001371370.9), dbSNP rs142464301, ClinGen allele CA8070811.
Genomic context (GRCh38, chr16:56,963,073, plus strand): 5'-ACCACGAGACTGCCAAGGTGATCCAGACCGCCTTCCAGCGAGCCAGCTACCCAGATATCA[C>T]GGGCGAGAAGGCCATGATGCTCCTTGGCCAAGTCAAGTATGGGTTGCACAAGTGAGTCGG-3'
Protein context (NP_000069.2, residues 51-71): AFQRASYPDI[Thr61Met]GEKAMMLLGQ

ClinVar aggregate classification (germline): Uncertain significance. Review status: criteria provided, multiple submitters, no conflicts (2 of 4 stars). 2 submissions from 2 submitters: Uncertain significance (2). Last evaluated 2025-03-26.

Conditions:
Hyperalphalipoproteinemia 1 (HALP1). Also called: CETP-Related Hyperalphalipoproteinemia; CETP DEFICIENCY. Identifiers: MedGen C3149462, OMIM 143470.

Allele frequency attached by ClinVar (database versions not stated): gnomAD 0.00013 and 0.00014; TOPMed 0.00013; 1000 Genomes Project 30x 0.00016; gnomAD exomes 0.00017 and 0.00018; 1000 Genomes Project 0.00020; ExAC 0.00024.
gnomAD v4.1: 271 of 1,614,118 alleles (0.017%); highest among the groups gnomAD compares: African/African-American, 0.024%; no homozygotes.

Submissions (2):

Labcorp Genetics (formerly Invitae), Labcorp
Classification: Uncertain significance. Last evaluated: 2025-03-26. Review status: criteria provided, single submitter. Criteria: Invitae Variant Classification Sherloc (09022015). Collection method: clinical testing. Allele origin: germline.
Comment: This sequence change replaces threonine, which is neutral and polar, with methionine, which is neutral and non-polar, at codon 61 of the CETP protein (p.Thr61Met). This variant is present in population databases (rs142464301, gnomAD 0.04%), and has an allele count higher than expected for a pathogenic variant. This variant has not been reported in the literature in individuals affected with CETP-related conditions. ClinVar contains an entry for this variant (Variation ID: 1371370). Invitae Evidence Modeling of protein sequence and biophysical properties (such as structural, functional, and spatial information, amino acid conservation, physicochemical variation, residue mobility, and thermodynamic stability) indicates that this missense variant is not expected to disrupt CETP protein function with a negative predictive value of 80%. Experimental studies have shown that this missense change does not substantially affect CETP function (PMID: 38039300). In summary, the available evidence is currently insufficient to determine the role of this variant in disease. Therefore, it has been classified as a Variant of Uncertain Significance.

Fulgent Genetics
Classification: Uncertain significance for Hyperalphalipoproteinemia 1. Last evaluated: 2021-11-02. Review status: criteria provided, single submitter. Criteria: ACMG Guidelines, 2015. Collection method: clinical testing. Allele origin: unknown.

Literature cited by the submitters: PubMed 38039300 (cited by Labcorp Genetics (formerly Invitae), Labcorp).